The following is an entry in ClinVar:

NM_001845.6(COL4A1):c.2968+1G>A

Gene: COL4A1 (collagen type IV alpha 1 chain; minus strand). Cytogenetic location: 13q34.
Variant type: single nucleotide variant.
Coding change: c.2968+1G>A on transcript NM_001845.6 (MANE Select); the canonical splice donor site of the intron after coding-DNA position 2968, G replaced by A.
Molecular consequence: splice donor variant.
Genome position (GRCh38, 1-based): chr13:110,176,625, C>T on the plus strand (G>A on the coding strand, the complement: COL4A1 is on the minus strand). VCF-style: chr13-110176625-C-T. GRCh37 (hg19) VCF-style: chr13-110828972-C-T.
Identifiers: ClinVar variation 2700217 (VCV002700217.3), dbSNP rs2501776220, ClinGen allele CA388666080.

ClinVar aggregate classification (germline): Likely pathogenic (1 of 4 stars; one submission).

Submission:

Labcorp Genetics (formerly Invitae), Labcorp
Classification: Likely pathogenic. Last evaluated: 2024-02-08. Review status: criteria provided, single submitter. Criteria: Invitae Variant Classification Sherloc (09022015). Collection method: clinical testing. Allele origin: germline.
Comment: This sequence change affects a donor splice site in intron 35 of the COL4A1 gene. It is expected to disrupt RNA splicing. Variants that disrupt the donor or acceptor splice site typically lead to a loss of protein function (PMID: 16199547), and loss-of-function variants in COL4A1 are known to be pathogenic (PMID: 23225343). This variant is not present in population databases (gnomAD no frequency). This variant has not been reported in the literature in individuals affected with COL4A1-related conditions. Algorithms developed to predict the effect of sequence changes on RNA splicing suggest that this variant may disrupt the consensus splice site. In summary, the currently available evidence indicates that the variant is pathogenic, but additional data are needed to prove that conclusively. Therefore, this variant has been classified as Likely Pathogenic.

Literature cited by the submitters: PubMed 16199547; PubMed 23225343.